The following is an entry in ClinVar:

NM_002273.4(KRT8):c.1022G>A (p.Arg341His)

Gene: KRT8 (keratin 8; minus strand). Cytogenetic location: 12q13.13.
Variant type: single nucleotide variant.
Coding change: c.1022G>A on transcript NM_002273.4 (MANE Select); coding-DNA position 1022, G replaced by A.
Protein change: p.Arg341His; replaces arginine 341 with histidine.
Molecular consequence: missense variant. On other transcripts: non-coding transcript variant (1).
Genome position (GRCh38, 1-based): chr12:52,898,859, C>T on the plus strand (G>A on the coding strand, the complement: KRT8 is on the minus strand). VCF-style: chr12-52898859-C-T. GRCh37 (hg19) VCF-style: chr12-53292643-C-T.
Other names: c.1106G>A, p.Arg369His (NM_001256282.2); c.1022G>A, p.Arg341His (NM_001256293.2); short protein forms R341H, R369H.
Identifiers: ClinVar variation 66522 (VCV000066522.4), dbSNP rs57422427, ClinGen allele CA217245.
Genomic context (GRCh38, chr12:52,898,859, plus strand): 5'-TGCAGGGCGGCCTCCAGCTCGGACAACTTGGCGTTGGCATCCTTAATGGCCAGCTCTCCA[C>T]GCTGCTCGGCATCTGCAATGGCGGCCTCCAGGGAAGCCCTCTGTGGGGTAGGGGACAGGT-3'
Protein context (NP_002264.1, residues 331-351): LEAAIADAEQ[Arg341His]GELAIKDANA

ClinVar aggregate classification (germline): Benign. Review status: criteria provided, multiple submitters, no conflicts (2 of 4 stars). 3 submissions from 3 submitters: Benign (2). 1 of the submissions does not count toward it. Last evaluated 2020-05-12.

Allele frequency attached by ClinVar (database versions not stated): gnomAD 0.02267 and 0.02364; ESP Exome Variant Server 0.02292; 1000 Genomes Project 0.02456; 1000 Genomes Project 30x 0.02467; TOPMed 0.02594; gnomAD exomes 0.03204 and 0.03546; ExAC 0.03403.
gnomAD v4.1: 50,187 of 1,613,846 alleles (3.1%); highest among the groups gnomAD compares: Admixed American, 8.2%; 1,030 homozygotes.

Submissions (3):

GeneDx
Classification: Benign. Last evaluated: 2020-05-12. Review status: criteria provided, single submitter. Criteria: GeneDx Variant Classification Process June 2021. Collection method: clinical testing. Allele origin: germline. Affected: yes.
Comment: This variant is associated with the following publications: (PMID: 23078008, 20538000, 22419260, 16143128, 31515557)

Breakthrough Genomics
Classification: Benign. Review status: criteria provided, single submitter. Criteria: ACMG Guidelines, 2015. Collection method: not provided. Allele origin: germline. Inheritance: Unknown mechanism. Affected: yes.

Epithelial Biology;  Institute of Medical Biology, Singapore
No classification provided. Review status: no classification provided. Collection method: not provided. Allele origin: not provided. Not counted in ClinVar's aggregate classification.